The following is an entry in ClinVar:

NM_001166108.2(PALLD):c.2701C>T (p.His901Tyr)

Genes: CBR4 (carbonyl reductase 4; minus strand), PALLD (palladin, cytoskeletal associated protein; plus strand). Cytogenetic location: 4q32.3.
Variant type: single nucleotide variant.
Coding change: c.2701C>T on transcript NM_001166108.2 (MANE Select); coding-DNA position 2701, C replaced by T.
Protein change: p.His901Tyr; replaces histidine 901 with tyrosine.
Molecular consequence: missense variant.
Genome position (GRCh38, 1-based): chr4:168,914,005, C>T. VCF-style: chr4-168914005-C-T. GRCh37 (hg19) VCF-style: chr4-169835156-C-T.
Other names: c.1504C>T, p.His502Tyr (NM_001166109.2); c.1189C>T, p.His397Tyr (NM_001166110.2); c.529C>T, p.His177Tyr (NM_001367567.1, NM_001367569.1); c.580C>T, p.His194Tyr (NM_001367568.1, NM_001367570.1); c.2650C>T, p.His884Tyr (NM_016081.4); short protein forms H884Y, H397Y, H901Y, H502Y, H177Y, H194Y.
Identifiers: ClinVar variation 1475520 (VCV001475520.8), dbSNP rs2151408223, ClinGen allele CA358705312.

ClinVar aggregate classification (germline): Uncertain significance (1 of 4 stars; one submission).

Conditions:
Pancreatic adenocarcinoma. Identifiers: MedGen C0281361, MONDO:0006047, HP:0006725.

Submission:

Labcorp Genetics (formerly Invitae), Labcorp
Classification: Uncertain significance for Pancreatic adenocarcinoma. Last evaluated: 2020-11-16. Review status: criteria provided, single submitter. Criteria: Invitae Variant Classification Sherloc (09022015). Collection method: clinical testing. Allele origin: germline.
Comment: This sequence change replaces histidine with tyrosine at codon 397 of the PALLD protein (p.His397Tyr). The histidine residue is highly conserved and there is a moderate physicochemical difference between histidine and tyrosine. This variant is not present in population databases (ExAC no frequency). This variant has not been reported in the literature in individuals with PALLD-related conditions. Algorithms developed to predict the effect of missense changes on protein structure and function are either unavailable or do not agree on the potential impact of this missense change (SIFT: "Deleterious"; PolyPhen-2: "Benign"; Align-GVGD: "Class C35"). In summary, the available evidence is currently insufficient to determine the role of this variant in disease. Therefore, it has been classified as a Variant of Uncertain Significance.